The following is an entry in ClinVar:

NM_001735.3(C5):c.2867G>A (p.Arg956Gln)

Gene: C5 (complement C5; minus strand). Cytogenetic location: 9q33.2.
Variant type: single nucleotide variant.
Coding change: c.2867G>A on transcript NM_001735.3 (MANE Select); coding-DNA position 2867, G replaced by A.
Protein change: p.Arg956Gln; replaces arginine 956 with glutamine.
Molecular consequence: missense variant.
Genome position (GRCh38, 1-based): chr9:120,991,265, C>T on the plus strand (G>A on the coding strand, the complement: C5 is on the minus strand). VCF-style: chr9-120991265-C-T. GRCh37 (hg19) VCF-style: chr9-123753543-C-T.
Other names: c.2885G>A, p.Arg962Gln (NM_001317163.2); short protein forms R956Q, R962Q.
Identifiers: ClinVar variation 1404205 (VCV001404205.6), dbSNP rs751977981, ClinGen allele CA5217634.
Genomic context (GRCh38, chr9:120,991,265, plus strand): 5'-ATCCTTTTGATTTCTGTTTTGGGGACCAAATCTAAGGGTATCCTGTATGGGAACTCCTTT[C>T]GTCTGCTAATGGTACCTGTAATTTAGAAAATTTGGATTTATACAGAGTTTCCAGGGGAAG-3'
Protein context (NP_001726.2, residues 946-966): PRGIYGTISR[Arg956Gln]KEFPYRIPLD

ClinVar aggregate classification (germline): Uncertain significance (1 of 4 stars; one submission).

Allele frequency attached by ClinVar (database versions not stated): TOPMed below 0.00001; gnomAD exomes 0.00001 and 0.00002; ExAC 0.00002.
gnomAD v4.1: 13 of 1,604,856 alleles (0.00081%); highest among the groups gnomAD compares: East Asian, 0.0089%; no homozygotes.

Submission:

Labcorp Genetics (formerly Invitae), Labcorp
Classification: Uncertain significance. Last evaluated: 2024-07-29. Review status: criteria provided, single submitter. Criteria: Invitae Variant Classification Sherloc (09022015). Collection method: clinical testing. Allele origin: germline.
Comment: This sequence change replaces arginine, which is basic and polar, with glutamine, which is neutral and polar, at codon 956 of the C5 protein (p.Arg956Gln). This variant is present in population databases (rs751977981, gnomAD 0.02%). This variant has not been reported in the literature in individuals affected with C5-related conditions. ClinVar contains an entry for this variant (Variation ID: 1404205). Advanced modeling of protein sequence and biophysical properties (such as structural, functional, and spatial information, amino acid conservation, physicochemical variation, residue mobility, and thermodynamic stability) performed at Invitae indicates that this missense variant is not expected to disrupt C5 protein function with a negative predictive value of 80%. Algorithms developed to predict the effect of sequence changes on RNA splicing suggest that this variant may disrupt the consensus splice site. In summary, the available evidence is currently insufficient to determine the role of this variant in disease. Therefore, it has been classified as a Variant of Uncertain Significance.